The following is an entry in ClinVar:

NM_001267550.2(TTN):c.16934C>T (p.Pro5645Leu)

Genes: TTN (titin; minus strand), LOC126806431 (CDK7 strongly-dependent group 2 enhancer GRCh37_chr2:179595719-179596918; plus strand). Cytogenetic location: 2q31.2.
Variant type: single nucleotide variant.
Coding change: c.16934C>T on transcript NM_001267550.2 (MANE Select); coding-DNA position 16934, C replaced by T.
Protein change: p.Pro5645Leu; replaces proline 5645 with leucine.
Molecular consequence: missense variant. On other transcripts: intron variant (3).
Genome position (GRCh38, 1-based): chr2:178,731,941, G>A on the plus strand (C>T on the coding strand, the complement: TTN is on the minus strand). VCF-style: chr2-178731941-G-A. GRCh37 (hg19) VCF-style: chr2-179596668-G-A.
Other names: c.15983C>T, p.Pro5328Leu (NM_001256850.1); c.13202C>T, p.Pro4401Leu (NM_133378.4); c.13282+6141C>T (NM_003319.4); c.13858+6141C>T (NM_133437.4); c.13657+6141C>T (NM_133432.3); c.16934C>T (LRG_391t1); short protein forms P4401L, P5645L, P5328L.
Identifiers: ClinVar variation 332923 (VCV000332923.34), dbSNP rs370889765, ClinGen allele CA2001941.

ClinVar aggregate classification (germline): Conflicting classifications of pathogenicity. Review status: criteria provided, conflicting classifications (1 of 4 stars). 13 submissions from 9 submitters: Uncertain significance (9); Benign (2); Likely benign (2). Last evaluated 2026-09-03.

Conditions:
Cardiomyopathy (CMYO). Also called: Cardiomyopathies. Identifiers: Orphanet 167848, MedGen C0878544, MONDO:0004994, HP:0001638. Inheritance: Various modes of inheritance.
Myopathy, myofibrillar, 9, with early respiratory failure (MFM9). Also called: Myopathy, distal, with early respiratory failure, autosomal dominant; EDSTROM MYOPATHY; Hereditary myopathy with early respiratory failure; MYOPATHY, PROXIMAL, WITH EARLY RESPIRATORY MUSCLE INVOLVEMENT. Identifiers: Orphanet 178464, Orphanet 34521, MedGen C1863599, MONDO:0011362, OMIM 603689.
Dilated cardiomyopathy 1G (CMD1G). Identifiers: Orphanet 154, MedGen C1858763, MONDO:0011400, OMIM 604145.
Autosomal recessive limb-girdle muscular dystrophy type 2J (LGMDR10). Also called: MUSCULAR DYSTROPHY, LIMB-GIRDLE, AUTOSOMAL RECESSIVE 10; Limb-girdle muscular dystrophy, type 2J. Identifiers: Orphanet 140922, MedGen C1837342, MONDO:0012127, OMIM 608807.
Tibial muscular dystrophy (TMD). Also called: Udd Distal Myopathy – Tibial Muscular Dystrophy; UDD MYOPATHY; Tibial muscular dystrophy, tardive. Identifiers: Orphanet 609, MedGen C1838244, MONDO:0010870, OMIM 600334.
TTN-related disorder. Also called: TTN-related condition; TTN-related disease; TTN-related disorders.
Early-onset myopathy with fatal cardiomyopathy (CMYO5). Also called: CONGENITAL MYOPATHY 5 WITH CARDIOMYOPATHY; Salih Myopathy. Identifiers: Orphanet 289377, MedGen C2673677, MONDO:0012714, OMIM 611705. Disease mechanism: loss of function.

Allele frequency attached by ClinVar (database versions not stated): gnomAD 0.00009; gnomAD exomes 0.00010 and 0.00015; TOPMed 0.00012; ExAC 0.00016; ESP Exome Variant Server 0.00024.
gnomAD v4.1: 161 of 1,609,366 alleles (0.01%); highest among the groups gnomAD compares: Non-Finnish European, 0.011%; no homozygotes.

Submissions (13):

PreventionGenetics, part of Exact Sciences
Classification: Uncertain significance for TTN-related condition. Last evaluated: 2026-09-03. Review status: criteria provided, single submitter. Criteria: ACMG Guidelines, 2015. Collection method: clinical testing. Allele origin: germline.
Comment: The TTN c.16934C>T variant is predicted to result in the amino acid substitution p.Pro5645Leu. This variant was reported as a variant of uncertain significance in an individual with hypertrophic cardiomyopathy (Reported as c.13202C>T with NM_133378.4 in Supp. File 2, van Lint et al. 2019. PubMed ID: 30847666). This variant is reported in 0.13% of alleles in individuals of Ashkenazi Jewish descent in gnomAD. Although we suspect that this variant may be benign, at this time, the clinical significance of this variant is uncertain due to the absence of conclusive functional and genetic evidence.

Blueprint Genetics
Classification: Likely benign. Last evaluated: 2024-11-20. Review status: criteria provided, single submitter. Criteria: ACMG Guidelines, 2015. Collection method: clinical testing. Allele origin: germline.

CeGaT Center for Human Genetics Tuebingen
Classification: Uncertain significance. Last evaluated: 2024-06-01. Review status: criteria provided, single submitter. Criteria: CeGaT Center For Human Genetics Tuebingen Variant Classification Criteria Version 2. Collection method: clinical testing. Allele origin: germline. Affected: yes. Observed: 1 variant allele.
Comment: TTN: PM2:Supporting, BP4

Revvity Omics, Revvity
Classification: Uncertain significance. Last evaluated: 2023-03-27. Review status: criteria provided, single submitter. Criteria: ACMG Guidelines, 2015. Collection method: clinical testing. Allele origin: germline.

GeneDx
Classification: Likely benign. Last evaluated: 2020-11-19. Review status: criteria provided, single submitter. Criteria: GeneDx Variant Classification Process June 2021. Collection method: clinical testing. Allele origin: germline. Affected: yes.
Comment: This variant is associated with the following publications: (PMID: 30847666)

Illumina Laboratory Services, Illumina
Classification: Uncertain significance for Autosomal recessive limb-girdle muscular dystrophy type 2J. Last evaluated: 2018-01-12. Review status: criteria provided, single submitter. Criteria: ICSL Variant Classification Criteria 13 December 2019. Collection method: clinical testing. Allele origin: germline.

Illumina Laboratory Services, Illumina
Classification: Uncertain significance for Dilated cardiomyopathy 1G. Last evaluated: 2018-01-12. Review status: criteria provided, single submitter. Criteria: ICSL Variant Classification Criteria 13 December 2019. Collection method: clinical testing. Allele origin: germline.

Illumina Laboratory Services, Illumina
Classification: Uncertain significance for Early-onset myopathy with fatal cardiomyopathy. Last evaluated: 2018-01-12. Review status: criteria provided, single submitter. Criteria: ICSL Variant Classification Criteria 13 December 2019. Collection method: clinical testing. Allele origin: germline.

Illumina Laboratory Services, Illumina
Classification: Benign for Tibial muscular dystrophy. Last evaluated: 2018-01-12. Review status: criteria provided, single submitter. Criteria: ICSL Variant Classification Criteria 13 December 2019. Collection method: clinical testing. Allele origin: germline.
Comment: This variant was observed in the ICSL laboratory as part of a predisposition screen in an ostensibly healthy population. It had not been previously curated by ICSL or reported in the Human Gene Mutation Database (HGMD: prior to June 1st, 2018), and was therefore a candidate for classification through an automated scoring system. Utilizing variant allele frequency, disease prevalence and penetrance estimates, and inheritance mode, an automated score was calculated to assess if this variant is too frequent to cause the disease. Based on the score and internal cut-off values, a variant classified as benign is not then subjected to further curation. The score for this variant resulted in a classification of benign for this disease.

Illumina Laboratory Services, Illumina
Classification: Benign for Myopathy, myofibrillar, 9, with early respiratory failure. Last evaluated: 2018-01-12. Review status: criteria provided, single submitter. Criteria: ICSL Variant Classification Criteria 13 December 2019. Collection method: clinical testing. Allele origin: germline.
Comment: the same text as in the submission from Illumina Laboratory Services, Illumina above.

Athena Diagnostics
Classification: Uncertain significance. Last evaluated: 2017-12-30. Review status: criteria provided, single submitter. Criteria: Athena Diagnostics Criteria. Collection method: clinical testing. Allele origin: germline.

Labcorp Genetics (formerly Invitae), Labcorp
Classification: Uncertain significance for Dilated cardiomyopathy 1G; Autosomal recessive limb-girdle muscular dystrophy type 2J. Last evaluated: 2017-07-07. Review status: criteria provided, single submitter. Criteria: Invitae Variant Classification Sherloc (09022015). Collection method: clinical testing. Allele origin: germline.

CHEO Genetics Diagnostic Laboratory, Children's Hospital of Eastern Ontario
Classification: Uncertain significance for Cardiomyopathy. Last evaluated: 2016-05-31. Review status: criteria provided, single submitter. Criteria: ACMG Guidelines, 2015. Collection method: clinical testing. Allele origin: germline. Study: Canadian Open Genetics Repository.